The following is an entry in ClinVar:

NM_053025.4(MYLK):c.1651+17C>T

Gene: MYLK (myosin light chain kinase; minus strand). Cytogenetic location: 3q21.1.
Variant type: single nucleotide variant.
Coding change: c.1651+17C>T on transcript NM_053025.4 (MANE Select); 17 bases into the intron after coding-DNA position 1651, C replaced by T.
Molecular consequence: intron variant.
Genome position (GRCh38, 1-based): chr3:123,725,927, G>A on the plus strand (C>T on the coding strand, the complement: MYLK is on the minus strand). VCF-style: chr3-123725927-G-A. GRCh37 (hg19) VCF-style: chr3-123444774-G-A.
Other names: c.1123+17C>T (NM_001321309.2); c.1444+17C>T (NM_053028.4, NM_053026.4); c.1651+17C>T (NM_053027.4).
Identifiers: ClinVar variation 507270 (VCV000507270.2), dbSNP rs181149737, ClinGen allele CA067297.

ClinVar aggregate classification (germline): Likely benign. Review status: criteria provided, multiple submitters, no conflicts (2 of 4 stars). 2 submissions from 2 submitters: Likely benign (2). Last evaluated 2025-06-10.

Conditions:
Aortic aneurysm, familial thoracic 7 (AAT7). Also called: AORTIC DISSECTION, FAMILIAL, WITH OR WITHOUT AORTIC ANEURYSM. Identifiers: MedGen C3151077, MONDO:0013418, OMIM 613780.

Allele frequency attached by ClinVar (database versions not stated): gnomAD exomes 0.00001; ExAC 0.00002; gnomAD 0.00005 and 0.00006; TOPMed 0.00006.
gnomAD v4.1: 21 of 1,612,538 alleles (0.0013%); highest among the groups gnomAD compares: African/African-American, 0.028%; no homozygotes.

Submissions (2):

Labcorp Genetics (formerly Invitae), Labcorp
Classification: Likely benign for Aortic aneurysm, familial thoracic 7. Last evaluated: 2025-06-10. Review status: criteria provided, single submitter. Criteria: Invitae Variant Classification Sherloc (09022015). Collection method: clinical testing. Allele origin: germline.

GeneDx
Classification: Likely benign. Last evaluated: 2017-02-07. Review status: criteria provided, single submitter. Criteria: GeneDx Variant Classification (06012015). Collection method: clinical testing. Allele origin: germline. Affected: yes.
Comment: This variant is considered likely benign or benign based on one or more of the following criteria: it is a conservative change, it occurs at a poorly conserved position in the protein, it is predicted to be benign by multiple in silico algorithms, and/or has population frequency not consistent with disease.